The following is an entry in ClinVar:

ClinVar aggregate classification (germline): Uncertain significance. Review status: criteria provided, multiple submitters, no conflicts (2 of 4 stars). 4 submissions from 4 submitters: Uncertain significance (4). Last evaluated 2025-06-24.

Conditions:
Hereditary cancer-predisposing syndrome. Also called: Tumor predisposition; Neoplastic Syndromes, Hereditary; Hereditary Cancer Syndrome; Hereditary neoplastic syndrome. Identifiers: Orphanet 140162, MedGen C0027672, MeSH D009386, MONDO:0015356.
Hereditary diffuse gastric adenocarcinoma (HDGC). Also called: DIFFUSE GASTRIC AND LOBULAR BREAST CANCER SYNDROME. Identifiers: Orphanet 26106, MedGen C1708349, MONDO:0007648, OMIM 137215.

Submissions (4):

Ambry Genetics
Classification: Uncertain significance for Hereditary cancer-predisposing syndrome. Last evaluated: 2025-06-24. Review status: criteria provided, single submitter. Criteria: Ambry Variant Classification Scheme 2023. Collection method: clinical testing. Allele origin: germline.
Comment: The p.V454L variant (also known as c.1360G>C), located in coding exon 10 of the CDH1 gene, results from a G to C substitution at nucleotide position 1360. The valine at codon 454 is replaced by leucine, an amino acid with highly similar properties. This amino acid position is highly conserved in available vertebrate species. In addition, the in silico prediction for this alteration is inconclusive. Based on the available evidence, the clinical significance of this variant remains unclear.

Labcorp Genetics (formerly Invitae), Labcorp
Classification: Uncertain significance for Hereditary diffuse gastric adenocarcinoma. Last evaluated: 2025-05-26. Review status: criteria provided, single submitter. Criteria: Invitae Variant Classification Sherloc (09022015). Collection method: clinical testing. Allele origin: germline.
Comment: This sequence change replaces valine, which is neutral and non-polar, with leucine, which is neutral and non-polar, at codon 454 of the CDH1 protein (p.Val454Leu). This variant is not present in population databases (gnomAD no frequency). This variant has not been reported in the literature in individuals affected with CDH1-related conditions. ClinVar contains an entry for this variant (Variation ID: 491494). An algorithm developed to predict the effect of missense changes on protein structure and function (PolyPhen-2) suggests that this variant is likely to be disruptive. In summary, the available evidence is currently insufficient to determine the role of this variant in disease. Therefore, it has been classified as a Variant of Uncertain Significance.

Color Diagnostics, LLC DBA Color Health
Classification: Uncertain significance for Hereditary cancer-predisposing syndrome. Last evaluated: 2023-12-05. Review status: criteria provided, single submitter. Criteria: ACMG Guidelines, 2015. Collection method: clinical testing. Allele origin: germline.
Comment: This missense variant replaces valine with leucine at codon 454 of the CDH1 protein. To our knowledge, functional studies have not been reported for this variant. This variant has not been reported in individuals affected with CDH1-related disorders in the literature. This variant has not been identified in the general population by the Genome Aggregation Database (gnomAD). The available evidence is insufficient to determine the role of this variant in disease conclusively. Therefore, this variant is classified as a Variant of Uncertain Significance.

Illumina Laboratory Services, Illumina
Classification: Uncertain significance for Hereditary diffuse gastric adenocarcinoma. Last evaluated: 2017-04-27. Review status: criteria provided, single submitter. Criteria: ICSL Variant Classification Criteria 13 December 2019. Collection method: clinical testing. Allele origin: germline.

NM_004360.5(CDH1):c.1360G>C (p.Val454Leu)

Gene: CDH1 (cadherin 1; plus strand). Cytogenetic location: 16q22.1.
Variant type: single nucleotide variant.
Coding change: c.1360G>C on transcript NM_004360.5 (MANE Select); coding-DNA position 1360, G replaced by C.
Protein change: p.Val454Leu; replaces valine 454 with leucine.
Molecular consequence: missense variant. On other transcripts: 5 prime UTR variant (2).
Genome position (GRCh38, 1-based): chr16:68,815,554, G>C. VCF-style: chr16-68815554-G-C. GRCh37 (hg19) VCF-style: chr16-68849457-G-C.
Other names: c.1177G>C, p.Val393Leu (NM_001317184.2); c.-189G>C (NM_001317185.2); c.-460G>C (NM_001317186.2); short protein forms V454L, V393L.
Identifiers: ClinVar variation 491494 (VCV000491494.21), dbSNP rs587780112, ClinGen allele CA396462780.